The following is an entry in ClinVar:

ClinVar aggregate classification (germline): Conflicting classifications of pathogenicity. Review status: criteria provided, conflicting classifications (1 of 4 stars). 5 submissions from 5 submitters: Uncertain significance (2); Likely benign (2). 1 of the submissions does not count toward it. Last evaluated 2026-01-09.

Conditions:
Primary ciliary dyskinesia. Also called: Ciliary dyskinesia. Identifiers: Orphanet 244, MedGen C0008780, MONDO:0016575, HP:0012265.
DNAH5-related disorder. Also called: DNAH5-related condition.
Primary ciliary dyskinesia 3. Identifiers: Orphanet 244, MedGen C1837618, MONDO:0012085, OMIM 608644.

Allele frequency attached by ClinVar (database versions not stated): TOPMed 0.00007; ESP Exome Variant Server 0.00008; gnomAD 0.00016; gnomAD exomes 0.00018; ExAC 0.00022.
gnomAD v4.1: 163 of 1,613,612 alleles (0.01%); highest among the groups gnomAD compares: South Asian, 0.08%; 4 homozygotes.

Submissions (5):

Labcorp Genetics (formerly Invitae), Labcorp
Classification: Likely benign for Primary ciliary dyskinesia. Last evaluated: 2026-01-09. Review status: criteria provided, single submitter. Criteria: Invitae Variant Classification Sherloc (09022015). Collection method: clinical testing. Allele origin: germline.

PreventionGenetics, part of Exact Sciences
Classification: Uncertain significance for DNAH5-related condition. Last evaluated: 2025-03-05. Review status: criteria provided, single submitter. Criteria: ACMG Guidelines, 2015. Collection method: clinical testing. Allele origin: germline.
Comment: The DNAH5 c.10789G>T variant is predicted to result in the amino acid substitution p.Ala3597Ser. To our knowledge, this variant has not been reported in the literature. This variant is reported in 0.082% of alleles in individuals of South Asian descent in gnomAD, including one homozygous individual, which may be too common to be causative. Although we suspect that this variant may be benign, at this time, the clinical significance of this variant is uncertain due to the absence of conclusive functional and genetic evidence.

Ambry Genetics
Classification: Likely benign for Primary ciliary dyskinesia. Last evaluated: 2022-07-27. Review status: criteria provided, single submitter. Criteria: Ambry Variant Classification Scheme 2023. Collection method: clinical testing. Allele origin: germline.

Johns Hopkins Genomics, Johns Hopkins University
Classification: Uncertain significance for Primary ciliary dyskinesia 3. Last evaluated: 2020-04-02. Review status: criteria provided, single submitter. Criteria: ACMG Guidelines, 2015. Collection method: clinical testing. Allele origin: germline.
Comment: This variant has been previously reported in a patient with primary ciliary dyskinesia. DNAH5 c.10789G>T (rs368959723) is rare (<0.1%) in a large population dataset (gnomAD: 50/282424 total alleles; 0.018%; 1 homozygote). A single submitter in ClinVar classifies this variant as a variant of uncertain clinical significance. Of three bioinformatics tools queried, two predict that the substitution would be tolerated, while one predicts that it would be possibly damaging. The alanine residue at this position is highly evolutionarily conserved across all species assessed. Due to insufficient evidence, we consider the clinical significance of c.10789G>T to be uncertain at this time.

Natera, Inc.
Classification: Uncertain significance for Primary ciliary dyskinesia. Last evaluated: 2020-02-26. Review status: no assertion criteria provided. Collection method: clinical testing. Allele origin: germline. Not counted in ClinVar's aggregate classification.

NM_001369.3(DNAH5):c.10789G>T (p.Ala3597Ser)

Gene: DNAH5 (dynein axonemal heavy chain 5; minus strand). Cytogenetic location: 5p15.2.
Variant type: single nucleotide variant.
Coding change: c.10789G>T on transcript NM_001369.3 (MANE Select); coding-DNA position 10789, G replaced by T.
Protein change: p.Ala3597Ser; replaces alanine 3597 with serine.
Molecular consequence: missense variant.
Genome position (GRCh38, 1-based): chr5:13,753,316, C>A on the plus strand (G>T on the coding strand, the complement: DNAH5 is on the minus strand). VCF-style: chr5-13753316-C-A. GRCh37 (hg19) VCF-style: chr5-13753425-C-A.
Other names: short protein forms A3597S.
Identifiers: ClinVar variation 654358 (VCV000654358.18), dbSNP rs368959723, ClinGen allele CA3202139.
Genomic context (GRCh38, chr5:13,753,316, plus strand): 5'-TATTTTTAATCCAGATCTTGCCTTGAGTCTGTGGATCAATTAACAAAGGGTAACGAGATG[C>A]CTTCGTGACAATAATTCCATTTTGAATGGACAAGTCATCATTTGGCAGACCTTGGAGGTT-3'
Protein context (NP_001360.1, residues 3587-3607): SIQNGIIVTK[Ala3597Ser]SRYPLLIDPQ